The following is an entry in ClinVar:

ClinVar aggregate classification (germline): Conflicting classifications of pathogenicity. Review status: criteria provided, conflicting classifications (1 of 4 stars). 3 submissions from 3 submitters: Uncertain significance (2); Likely benign (1). Last evaluated 2026-06-29.

Conditions:
NEFH-related disorder. Also called: NEFH-related condition.
Inborn genetic diseases. Identifiers: MedGen C0950123, MeSH D030342.

Allele frequency attached by ClinVar (database versions not stated): gnomAD 0.00001; TOPMed 0.00001.
gnomAD v4.1: 11 of 1,613,284 alleles (0.00068%); highest among the groups gnomAD compares: Non-Finnish European, 0.00093%; no homozygotes.

Submissions (3):

PreventionGenetics, part of Exact Sciences
Classification: Uncertain significance for NEFH-related condition. Last evaluated: 2026-06-29. Review status: criteria provided, single submitter. Criteria: ACMG Guidelines, 2015. Collection method: clinical testing. Allele origin: germline.
Comment: The NEFH c.2440A>G variant is predicted to result in the amino acid substitution p.Ile814Val. To our knowledge, this variant has not been reported in the literature. This variant is reported in 0.00088% of alleles in individuals of European (non-Finnish) descent in gnomAD. At this time, the clinical significance of this variant is uncertain due to the absence of conclusive functional and genetic evidence.

Labcorp Genetics (formerly Invitae), Labcorp
Classification: Uncertain significance. Last evaluated: 2025-10-27. Review status: criteria provided, single submitter. Criteria: Invitae Variant Classification Sherloc (09022015). Collection method: clinical testing. Allele origin: germline.
Comment: This sequence change replaces isoleucine, which is neutral and non-polar, with valine, which is neutral and non-polar, at codon 814 of the NEFH protein (p.Ile814Val). This variant is present in population databases (rs748832999, gnomAD 0.0009%). This variant has not been reported in the literature in individuals affected with NEFH-related conditions. ClinVar contains an entry for this variant (Variation ID: 1347773). Invitae Evidence Modeling of protein sequence and biophysical properties (such as structural, functional, and spatial information, amino acid conservation, physicochemical variation, residue mobility, and thermodynamic stability) indicates that this missense variant is not expected to disrupt NEFH protein function with a negative predictive value of 95%. In summary, the available evidence is currently insufficient to determine the role of this variant in disease. Therefore, it has been classified as a Variant of Uncertain Significance.

Ambry Genetics
Classification: Likely benign for Inborn genetic diseases. Last evaluated: 2024-01-02. Review status: criteria provided, single submitter. Criteria: Ambry Variant Classification Scheme 2023. Collection method: clinical testing. Allele origin: germline.

NM_021076.4(NEFH):c.2440A>G (p.Ile814Val)

Gene: NEFH (neurofilament heavy chain; plus strand). Cytogenetic location: 22q12.2.
Variant type: single nucleotide variant.
Coding change: c.2440A>G on transcript NM_021076.4 (MANE Select); coding-DNA position 2440, A replaced by G.
Protein change: p.Ile814Val; replaces isoleucine 814 with valine.
Molecular consequence: missense variant.
Genome position (GRCh38, 1-based): chr22:29,490,080, A>G. VCF-style: chr22-29490080-A-G. GRCh37 (hg19) VCF-style: chr22-29886069-A-G.
Other names: short protein forms I814V.
Identifiers: ClinVar variation 1347773 (VCV001347773.9), dbSNP rs748832999, ClinGen allele CA10174430.